The following is an entry in ClinVar:

ClinVar aggregate classification (germline): Likely benign (1 of 4 stars; one submission).

Allele frequency attached by ClinVar (database versions not stated): gnomAD exomes 0.00057; TOPMed 0.00622; 1000 Genomes Project 30x 0.00625; 1000 Genomes Project 0.00639.

Submission:

GeneDx
Classification: Likely benign. Last evaluated: 2018-06-16. Review status: criteria provided, single submitter. Criteria: GeneDx Variant Classification (06012015). Collection method: clinical testing. Allele origin: germline. Affected: yes.
Comment: This variant is considered likely benign or benign based on one or more of the following criteria: it is a conservative change, it occurs at a poorly conserved position in the protein, it is predicted to be benign by multiple in silico algorithms, and/or has population frequency not consistent with disease.

NM_003060.4(SLC22A5):c.1451-53A>T

Gene: SLC22A5 (solute carrier family 22 member 5; plus strand). Cytogenetic location: 5q31.1.
Variant type: single nucleotide variant.
Coding change: c.1451-53A>T on transcript NM_003060.4 (MANE Select); 53 bases into the intron before coding-DNA position 1451, A replaced by T.
Molecular consequence: intron variant.
Genome position (GRCh38, 1-based): chr5:132,393,623, A>T. VCF-style: chr5-132393623-A-T. GRCh37 (hg19) VCF-style: chr5-131729315-A-T.
Other names: c.1523-53A>T (NM_001308122.2).
Identifiers: ClinVar variation 676329 (VCV000676329.1), dbSNP rs77893586, ClinGen allele CA127213020.
Genomic context (GRCh38, chr5:132,393,623, plus strand): 5'-GAGACCAAGAAGGAAAGTGATCCCCTTCCAGAGTCCTGGGAGCATAAAGGGGTAGATGAG[A>T]GACCAAGTCTAACTGCAGCCCTGGGCCTGAGGCTCCGTCTGCTTTGCCATAGGTGCCTAC-3'